The following is an entry in ClinVar:

NM_004336.5(BUB1):c.1808C>G (p.Ala603Gly)

Gene: BUB1 (BUB1 mitotic checkpoint serine/threonine kinase; minus strand). Cytogenetic location: 2q13.
Variant type: single nucleotide variant.
Coding change: c.1808C>G on transcript NM_004336.5 (MANE Select); coding-DNA position 1808, C replaced by G.
Protein change: p.Ala603Gly; replaces alanine 603 with glycine.
Molecular consequence: missense variant.
Genome position (GRCh38, 1-based): chr2:110,655,807, G>C on the plus strand (C>G on the coding strand, the complement: BUB1 is on the minus strand). VCF-style: chr2-110655807-G-C. GRCh37 (hg19) VCF-style: chr2-111413384-G-C.
Other names: c.1748C>G, p.Ala583Gly (NM_001278616.2); c.1808C>G, p.Ala603Gly (NM_001278617.2); short protein forms A583G, A603G.
Identifiers: ClinVar variation 3482989 (VCV003482989.1).

ClinVar aggregate classification (germline): Uncertain significance (1 of 4 stars; one submission).

Submission:

Ambry Genetics
Classification: Uncertain significance. Last evaluated: 2024-09-01. Review status: criteria provided, single submitter. Criteria: Ambry Variant Classification Scheme 2023. Collection method: clinical testing. Allele origin: germline.
Comment: The p.A603G variant (also known as c.1808C>G), located in coding exon 16 of the BUB1 gene, results from a C to G substitution at nucleotide position 1808. The alanine at codon 603 is replaced by glycine, an amino acid with similar properties. This amino acid position is conserved. In addition, this alteration is predicted to be tolerated by in silico analysis. Based on the available evidence, the clinical significance of this variant remains unclear.